The following is an entry in ClinVar:

ClinVar aggregate classification (germline): Uncertain significance. Review status: criteria provided, multiple submitters, no conflicts (2 of 4 stars). 4 submissions from 4 submitters: Uncertain significance (4). Last evaluated 2024-06-04.

Conditions:
Inborn genetic diseases. Identifiers: MedGen C0950123, MeSH D030342.
Nephronophthisis. Also called: Juvenile Nephronophthisis. Identifiers: Orphanet 655, MedGen C0687120, MONDO:0019005, HP:0000090.
Infantile nephronophthisis (NPHP2). Also called: Nephronophthisis 2, infantile; Nephronophthisis 2. Identifiers: Orphanet 655, Orphanet 93591, MedGen C1865872, MONDO:0011190, OMIM 602088.

Allele frequency attached by ClinVar (database versions not stated): ExAC below 0.00001; gnomAD exomes below 0.00001 and 0.00001; gnomAD 0.00001; TOPMed 0.00002.
gnomAD v4.1: 9 of 1,614,070 alleles (0.00056%); highest among the groups gnomAD compares: East Asian, 0.0022%; no homozygotes.

Submissions (4):

Fulgent Genetics
Classification: Uncertain significance for Infantile nephronophthisis. Last evaluated: 2024-06-04. Review status: criteria provided, single submitter. Criteria: ACMG Guidelines, 2015. Collection method: clinical testing. Allele origin: germline.

Ambry Genetics
Classification: Uncertain significance for Inborn genetic diseases. Last evaluated: 2023-09-14. Review status: criteria provided, single submitter. Criteria: Ambry Variant Classification Scheme 2023. Collection method: clinical testing. Allele origin: germline.

Labcorp Genetics (formerly Invitae), Labcorp
Classification: Uncertain significance for Nephronophthisis. Last evaluated: 2022-02-26. Review status: criteria provided, single submitter. Criteria: Invitae Variant Classification Sherloc (09022015). Collection method: clinical testing. Allele origin: germline.
Comment: This sequence change replaces arginine, which is basic and polar, with histidine, which is basic and polar, at codon 794 of the INVS protein (p.Arg794His). This variant is present in population databases (rs766040970, gnomAD 0.006%). This variant has not been reported in the literature in individuals affected with INVS-related conditions. ClinVar contains an entry for this variant (Variation ID: 914981). Algorithms developed to predict the effect of missense changes on protein structure and function output the following: SIFT: "Tolerated"; PolyPhen-2: "Benign"; Align-GVGD: "Class C0". The histidine amino acid residue is found in multiple mammalian species, which suggests that this missense change does not adversely affect protein function. In summary, the available evidence is currently insufficient to determine the role of this variant in disease. Therefore, it has been classified as a Variant of Uncertain Significance.

Illumina Laboratory Services, Illumina
Classification: Uncertain significance for Infantile nephronophthisis. Last evaluated: 2018-01-13. Review status: criteria provided, single submitter. Criteria: ICSL Variant Classification Criteria 13 December 2019. Collection method: clinical testing. Allele origin: germline.

NM_014425.5(INVS):c.2381G>A (p.Arg794His)

Gene: INVS (inversin; plus strand). Cytogenetic location: 9q31.1.
Variant type: single nucleotide variant.
Coding change: c.2381G>A on transcript NM_014425.5 (MANE Select); coding-DNA position 2381, G replaced by A.
Protein change: p.Arg794His; replaces arginine 794 with histidine.
Molecular consequence: missense variant. On other transcripts: non-coding transcript variant (1).
Genome position (GRCh38, 1-based): chr9:100,292,638, G>A. VCF-style: chr9-100292638-G-A. GRCh37 (hg19) VCF-style: chr9-103054920-G-A.
Other names: c.2093G>A, p.Arg698His (NM_001318381.2); c.1403G>A, p.Arg468His (NM_001318382.2); c.2381G>A (NM_014425.2); short protein forms R794H, R698H, R468H.
Identifiers: ClinVar variation 914981 (VCV000914981.9), dbSNP rs766040970, ClinGen allele CA5158615.